The following is an entry in ClinVar:

ClinVar aggregate classification (germline): Conflicting classifications of pathogenicity. Review status: criteria provided, conflicting classifications (1 of 4 stars). 5 submissions from 5 submitters: Uncertain significance (1); Likely benign (4). Last evaluated 2026-07-21.

Conditions:
ADGRV1-related disorder. Also called: ADGRV1-related disorders; ADGRV1-related condition.

Allele frequency attached by ClinVar (database versions not stated): gnomAD 0.00011; TOPMed 0.00013; 1000 Genomes Project 30x 0.00016; 1000 Genomes Project 0.00020; ESP Exome Variant Server 0.00025.
gnomAD v4.1: 167 of 1,613,904 alleles (0.01%); highest among the groups gnomAD compares: Admixed American, 0.032%; no homozygotes.

Submissions (5):

PreventionGenetics, part of Exact Sciences
Classification: Likely benign for ADGRV1-related condition. Last evaluated: 2026-07-21. Review status: criteria provided, single submitter. Criteria: ACMG Guidelines, 2015. Collection method: clinical testing. Allele origin: germline.
Comment: This variant is classified as likely benign based on ACMG/AMP sequence variant interpretation guidelines (Richards et al. 2015 PMID: 25741868, with internal and published modifications).

GeneDx
Classification: Uncertain significance. Last evaluated: 2025-10-02. Review status: criteria provided, single submitter. Criteria: GeneDx Variant Classification Process June 2021. Collection method: clinical testing. Allele origin: germline. Affected: yes.
Comment: In silico analysis suggests that this variant does not alter splicing; Has not been previously published as pathogenic or benign to our knowledge

Labcorp Genetics (formerly Invitae), Labcorp
Classification: Likely benign. Last evaluated: 2025-06-19. Review status: criteria provided, single submitter. Criteria: Invitae Variant Classification Sherloc (09022015). Collection method: clinical testing. Allele origin: germline.

Blueprint Genetics
Classification: Likely benign. Last evaluated: 2024-09-05. Review status: criteria provided, single submitter. Criteria: ACMG Guidelines, 2015. Collection method: clinical testing. Allele origin: germline.

Laboratory for Molecular Medicine, Mass General Brigham Personalized Medicine
Classification: Likely benign. Last evaluated: 2012-04-30. Review status: criteria provided, single submitter. Criteria: LMM Criteria. Collection method: clinical testing. Allele origin: germline. Observed: 1 variant allele.
Comment: Asn1964Asn in Exon 28 of GPR98: This variant is not expected to have clinical si gnificance because it does not alter an amino acid residue, is not located withi n the splice consensus sequence, and has been identified in 2/6656 European Amer ican chromosomes from a broad population by the NHLBI Exome Sequencing Project.

NM_032119.4(ADGRV1):c.5892T>C (p.Asn1964=)

Gene: ADGRV1 (adhesion G protein-coupled receptor V1; plus strand). Cytogenetic location: 5q14.3.
Variant type: single nucleotide variant.
Coding change: c.5892T>C on transcript NM_032119.4 (MANE Select); coding-DNA position 5892, T replaced by C.
Protein change: p.Asn1964=; no amino-acid change (asparagine 1964 retained).
Molecular consequence: synonymous variant. On other transcripts: non-coding transcript variant (1).
Genome position (GRCh38, 1-based): chr5:90,683,813, T>C. VCF-style: chr5-90683813-T-C. GRCh37 (hg19) VCF-style: chr5-89979630-T-C.
Identifiers: ClinVar variation 666640 (VCV000666640.16), dbSNP rs201983595, ClinGen allele CA3339683.
Genomic context (GRCh38, chr5:90,683,813, plus strand): 5'-TAAGGCATTCTCTGTGTCAGTCCTCAGTGTTTCCAGTGGTTCTTTGGGAGCTCATATTAA[T>C]GCCACGTTAACAGTTTTGGCTAGTGATGATCCATATGGGATATTCATTTTTTCTGAGAAA-3'
Protein context (NP_115495.3, residues 1954-1974): VSSGSLGAHI[Asn1964=]ATLTVLASDD